The following is an entry in ClinVar:

NM_003047.5(SLC9A1):c.1089G>A (p.Met363Ile)

Gene: SLC9A1 (solute carrier family 9 member A1; minus strand). Cytogenetic location: 1p36.11.
Variant type: single nucleotide variant.
Coding change: c.1089G>A on transcript NM_003047.5 (MANE Select); coding-DNA position 1089, G replaced by A.
Protein change: p.Met363Ile; replaces methionine 363 with isoleucine.
Molecular consequence: missense variant. On other transcripts: non-coding transcript variant (1).
Genome position (GRCh38, 1-based): chr1:27,107,841, C>T on the plus strand (G>A on the coding strand, the complement: SLC9A1 is on the minus strand). VCF-style: chr1-27107841-C-T. GRCh37 (hg19) VCF-style: chr1-27434332-C-T.
Other names: short protein forms M363I.
Identifiers: ClinVar variation 4540187 (VCV004540187.1).

ClinVar aggregate classification (germline): Uncertain significance (1 of 4 stars; one submission).

Submission:

GeneDx
Classification: Uncertain significance. Last evaluated: 2025-06-25. Review status: criteria provided, single submitter. Criteria: GeneDx Variant Classification Process June 2021. Collection method: clinical testing. Allele origin: germline. Affected: yes.
Comment: Not observed at significant frequency in large population cohorts (gnomAD); In silico analysis supports that this missense variant has a deleterious effect on protein structure/function; Has not been previously published as pathogenic or benign to our knowledge